The following is an entry in ClinVar:

NM_001458.5(FLNC):c.1994G>A (p.Cys665Tyr)

Gene: FLNC (filamin C; plus strand). Cytogenetic location: 7q32.1.
Variant type: single nucleotide variant.
Coding change: c.1994G>A on transcript NM_001458.5 (MANE Select); coding-DNA position 1994, G replaced by A.
Protein change: p.Cys665Tyr; replaces cysteine 665 with tyrosine.
Molecular consequence: missense variant.
Genome position (GRCh38, 1-based): chr7:128,841,350, G>A. VCF-style: chr7-128841350-G-A. GRCh37 (hg19) VCF-style: chr7-128481404-G-A.
Other names: c.1994G>A, p.Cys665Tyr (NM_001127487.2); short protein forms C665Y.
Identifiers: ClinVar variation 2565514 (VCV002565514.5), dbSNP rs2536628598, ClinGen allele CA369227526.
Genomic context (GRCh38, chr7:128,841,350, plus strand): 5'-ACGATGAGGACATCCGAGACTCACCCTTCATTGCCCACATCCTGCCCGCCCCACCTGACT[G>A]CTTCCCAGATAAGGTGTGGTCCCAGCTCACACACACCTGCCCCGGGGGTGGGGCAAGCTG-3'
Protein context (NP_001449.3, residues 655-675): IAHILPAPPD[Cys665Tyr]FPDKVKAFGP

ClinVar aggregate classification (germline): Uncertain significance. Review status: criteria provided, multiple submitters, no conflicts (2 of 4 stars). 2 submissions from 2 submitters: Uncertain significance (2). Last evaluated 2023-07-26.

Conditions:
Distal myopathy with posterior leg and anterior hand involvement. Also called: WILLIAMS DISTAL MYOPATHY. Identifiers: Orphanet 63273, MedGen C3279722, MONDO:0013550, OMIM 614065.
Hypertrophic cardiomyopathy 26. Also called: Cardiomyopathy, familial hypertrophic, 26. Identifiers: Orphanet 75249, MedGen C4310749, MONDO:0014883, OMIM 617047.
Myofibrillar myopathy 5. Also called: Filaminopathy (type); FILAMINOPATHY, AUTOSOMAL DOMINANT. Identifiers: Orphanet 171445, MedGen C1836050, MONDO:0012289, OMIM 609524.
Cardiovascular phenotype. Identifiers: MedGen CN230736.

Allele frequency attached by ClinVar (database versions not stated): gnomAD exomes below 0.00001.
gnomAD v4.1: 1 of 1,613,958 alleles (0.000062%); highest among the groups gnomAD compares: Non-Finnish European, 0.000085%; no homozygotes.

Submissions (2):

Labcorp Genetics (formerly Invitae), Labcorp
Classification: Uncertain significance for Distal myopathy with posterior leg and anterior hand involvement; Myofibrillar myopathy 5; Hypertrophic cardiomyopathy 26. Last evaluated: 2023-07-26. Review status: criteria provided, single submitter. Criteria: Invitae Variant Classification Sherloc (09022015). Collection method: clinical testing. Allele origin: germline.
Comment: This variant has not been reported in the literature in individuals affected with FLNC-related conditions. In summary, the available evidence is currently insufficient to determine the role of this variant in disease. Therefore, it has been classified as a Variant of Uncertain Significance. Advanced modeling of protein sequence and biophysical properties (such as structural, functional, and spatial information, amino acid conservation, physicochemical variation, residue mobility, and thermodynamic stability) has been performed at Invitae for this missense variant, however the output from this modeling did not meet the statistical confidence thresholds required to predict the impact of this variant on FLNC protein function. ClinVar contains an entry for this variant (Variation ID: 2565514). This variant is not present in population databases (gnomAD no frequency). This sequence change replaces cysteine, which is neutral and slightly polar, with tyrosine, which is neutral and polar, at codon 665 of the FLNC protein (p.Cys665Tyr).

Ambry Genetics
Classification: Uncertain significance for Cardiovascular phenotype. Last evaluated: 2023-04-11. Review status: criteria provided, single submitter. Criteria: Ambry Variant Classification Scheme 2023. Collection method: clinical testing. Allele origin: germline.
Comment: The p.C665Y variant (also known as c.1994G>A), located in coding exon 12 of the FLNC gene, results from a G to A substitution at nucleotide position 1994. The cysteine at codon 665 is replaced by tyrosine, an amino acid with highly dissimilar properties. This amino acid position is conserved. In addition, this alteration is predicted to be tolerated by in silico analysis. Since supporting evidence is limited at this time, the clinical significance of this alteration remains unclear.